The following is an entry in ClinVar:

NM_007214.5(SEC63):c.1184T>C (p.Leu395Pro)

Gene: SEC63 (SEC63 protein translocation regulator; minus strand). Cytogenetic location: 6q21.
Variant type: single nucleotide variant.
Coding change: c.1184T>C on transcript NM_007214.5 (MANE Select); coding-DNA position 1184, T replaced by C.
Protein change: p.Leu395Pro; replaces leucine 395 with proline.
Molecular consequence: missense variant.
Genome position (GRCh38, 1-based): chr6:107,902,869, A>G on the plus strand (T>C on the coding strand, the complement: SEC63 is on the minus strand). VCF-style: chr6-107902869-A-G. GRCh37 (hg19) VCF-style: chr6-108224073-A-G.
Other names: short protein forms L395P.
Identifiers: ClinVar variation 2075704 (VCV002075704.4), dbSNP rs1787039611, ClinGen allele CA365182278.

ClinVar aggregate classification (germline): Uncertain significance (1 of 4 stars; one submission).

Submission:

Labcorp Genetics (formerly Invitae), Labcorp
Classification: Uncertain significance. Last evaluated: 2022-10-19. Review status: criteria provided, single submitter. Criteria: Invitae Variant Classification Sherloc (09022015). Collection method: clinical testing. Allele origin: germline.
Comment: In summary, the available evidence is currently insufficient to determine the role of this variant in disease. Therefore, it has been classified as a Variant of Uncertain Significance. Algorithms developed to predict the effect of missense changes on protein structure and function (SIFT, PolyPhen-2, Align-GVGD) all suggest that this variant is likely to be disruptive. This variant has not been reported in the literature in individuals affected with SEC63-related conditions. This variant is not present in population databases (gnomAD no frequency). This sequence change replaces leucine, which is neutral and non-polar, with proline, which is neutral and non-polar, at codon 395 of the SEC63 protein (p.Leu395Pro).